The following is an entry in ClinVar:

ClinVar aggregate classification (germline): Uncertain significance. Review status: criteria provided, multiple submitters, no conflicts (2 of 4 stars). 3 submissions from 3 submitters: Uncertain significance (2). 1 of the submissions does not count toward it. Last evaluated 2023-05-23.

Conditions:
Niemann-Pick disease, type C1. Also called: NIEMANN-PICK DISEASE, VARIANT TYPE C1; NEUROVISCERAL STORAGE DISEASE WITH VERTICAL SUPRANUCLEAR OPHTHALMOPLEGIA; NIEMANN-PICK DISEASE WITH CHOLESTEROL ESTERIFICATION BLOCK; NIEMANN-PICK DISEASE WITHOUT SPHINGOMYELINASE DEFICIENCY; NIEMANN-PICK DISEASE, CHRONIC NEURONOPATHIC FORM. Identifiers: Orphanet 646, MedGen C3179455, MONDO:0009757, OMIM 257220.

gnomAD v4.1: 1 of 1,612,974 alleles (0.000062%); highest among the groups gnomAD compares: African/African-American, 0.0013%; no homozygotes.

Submissions (3):

GeneDx
Classification: Uncertain significance. Last evaluated: 2023-05-23. Review status: criteria provided, single submitter. Criteria: GeneDx Variant Classification Process June 2021. Collection method: clinical testing. Allele origin: germline. Affected: yes.
Comment: Not observed at significant frequency in large population cohorts (gnomAD); In silico analysis supports that this missense variant does not alter protein structure/function; Has not been previously published as pathogenic or benign to our knowledge

Labcorp Genetics (formerly Invitae), Labcorp
Classification: Uncertain significance for Niemann-Pick disease, type C1. Last evaluated: 2022-04-01. Review status: criteria provided, single submitter. Criteria: Invitae Variant Classification Sherloc (09022015). Collection method: clinical testing. Allele origin: germline.
Comment: This sequence change replaces methionine, which is neutral and non-polar, with leucine, which is neutral and non-polar, at codon 872 of the NPC1 protein (p.Met872Leu). This variant is not present in population databases (gnomAD no frequency). This variant has not been reported in the literature in individuals affected with NPC1-related conditions. Advanced modeling of protein sequence and biophysical properties (such as structural, functional, and spatial information, amino acid conservation, physicochemical variation, residue mobility, and thermodynamic stability) performed at Invitae indicates that this missense variant is not expected to disrupt NPC1 protein function. In summary, the available evidence is currently insufficient to determine the role of this variant in disease. Therefore, it has been classified as a Variant of Uncertain Significance.

Natera, Inc.
Classification: Uncertain significance for Niemann-Pick disease type C1. Last evaluated: 2025-01-03. Review status: no assertion criteria provided. Collection method: clinical testing. Allele origin: germline. Not counted in ClinVar's aggregate classification.

NM_000271.5(NPC1):c.2614A>T (p.Met872Leu)

Gene: NPC1 (NPC intracellular cholesterol transporter 1; minus strand). Cytogenetic location: 18q11.2.
Variant type: single nucleotide variant.
Coding change: c.2614A>T on transcript NM_000271.5 (MANE Select); coding-DNA position 2614, A replaced by T.
Protein change: p.Met872Leu; replaces methionine 872 with leucine.
Molecular consequence: missense variant.
Genome position (GRCh38, 1-based): chr18:23,539,992, T>A on the plus strand (A>T on the coding strand, the complement: NPC1 is on the minus strand). VCF-style: chr18-23539992-T-A. GRCh37 (hg19) VCF-style: chr18-21119956-T-A.
Other names: c.2614A>T (NM_000271.4); short protein forms M872L.
Identifiers: ClinVar variation 2120773 (VCV002120773.3), dbSNP rs769612789, ClinGen allele CA401793029.